The following is an entry in ClinVar:

ClinVar aggregate classification (germline): Uncertain significance (1 of 4 stars; one submission).

Allele frequency attached by ClinVar (database versions not stated): gnomAD exomes below 0.00001; ExAC 0.00001; TOPMed 0.00001.
gnomAD v4.1: 3 of 1,613,274 alleles (0.00019%); highest among the groups gnomAD compares: Non-Finnish European, 0.00017%; no homozygotes.

Submission:

Ambry Genetics
Classification: Uncertain significance. Last evaluated: 2023-07-04. Review status: criteria provided, single submitter. Criteria: Ambry Variant Classification Scheme 2023. Collection method: clinical testing. Allele origin: germline.
Comment: The p.L2348F variant (also known as c.7042C>T), located in coding exon 25 of the POLQ gene, results from a C to T substitution at nucleotide position 7042. The leucine at codon 2348 is replaced by phenylalanine, an amino acid with highly similar properties. This amino acid position is conserved. In addition, this alteration is predicted to be deleterious by in silico analysis. Since supporting evidence is limited at this time, the clinical significance of this alteration remains unclear.

NM_199420.4(POLQ):c.7042C>T (p.Leu2348Phe)

Gene: POLQ (DNA polymerase theta; minus strand). Cytogenetic location: 3q13.33.
Variant type: single nucleotide variant.
Coding change: c.7042C>T on transcript NM_199420.4 (MANE Select); coding-DNA position 7042, C replaced by T.
Protein change: p.Leu2348Phe; replaces leucine 2348 with phenylalanine.
Molecular consequence: missense variant.
Genome position (GRCh38, 1-based): chr3:121,460,160, G>A on the plus strand (C>T on the coding strand, the complement: POLQ is on the minus strand). VCF-style: chr3-121460160-G-A. GRCh37 (hg19) VCF-style: chr3-121179007-G-A.
Other names: short protein forms L2348F.
Identifiers: ClinVar variation 2624460 (VCV002624460.2), dbSNP rs754305359, ClinGen allele CA2562279.